The following is an entry in ClinVar:

ClinVar aggregate classification (germline): Uncertain significance (1 of 4 stars; one submission).

Conditions:
Immunodeficiency, common variable, 10. Also called: IMMUNODEFICIENCY, COMMON VARIABLE, WITH CENTRAL ADRENAL INSUFFICIENCY; DEFICIT IN ANTERIOR PITUITARY FUNCTION AND VARIABLE IMMUNODEFICIENCY. Identifiers: MedGen C3809991, MONDO:0014260, OMIM 615577.

gnomAD v4.1: 1 of 1,588,802 alleles (0.000063%); no homozygotes.

Submission:

Labcorp Genetics (formerly Invitae), Labcorp
Classification: Uncertain significance for Immunodeficiency, common variable, 10. Last evaluated: 2023-02-13. Review status: criteria provided, single submitter. Criteria: Invitae Variant Classification Sherloc (09022015). Collection method: clinical testing. Allele origin: germline.
Comment: This sequence change falls in intron 20 of the NFKB2 gene. It does not directly change the encoded amino acid sequence of the NFKB2 protein. This variant is not present in population databases (gnomAD no frequency). This variant has not been reported in the literature in individuals affected with NFKB2-related conditions. Algorithms developed to predict the effect of sequence changes on RNA splicing suggest that this variant may create or strengthen a splice site. In summary, the available evidence is currently insufficient to determine the role of this variant in disease. Therefore, it has been classified as a Variant of Uncertain Significance.

NM_001322934.2(NFKB2):c.2294-12T>C

Gene: NFKB2 (nuclear factor kappa B subunit 2; plus strand). Cytogenetic location: 10q24.32.
Variant type: single nucleotide variant.
Coding change: c.2294-12T>C on transcript NM_001322934.2 (MANE Select); 12 bases into the intron before coding-DNA position 2294, T replaced by C.
Molecular consequence: intron variant.
Genome position (GRCh38, 1-based): chr10:102,401,733, T>C. VCF-style: chr10-102401733-T-C. GRCh37 (hg19) VCF-style: chr10-104161490-T-C.
Other names: c.2294-12T>C (NM_001288724.1, NM_001077494.3, NM_001261403.3 and 1 more transcripts); c.2168-12T>C (NM_001322935.1).
Identifiers: ClinVar variation 2836764 (VCV002836764.3), dbSNP rs2544603338, ClinGen allele CA2610672862.